The following is an entry in ClinVar:

NM_005676.5(RBM10):c.2485G>A (p.Glu829Lys)

Gene: RBM10 (RNA binding motif protein 10; plus strand). Cytogenetic location: Xp11.3.
Variant type: single nucleotide variant.
Coding change: c.2485G>A on transcript NM_005676.5 (MANE Select); coding-DNA position 2485, G replaced by A.
Protein change: p.Glu829Lys; replaces glutamic acid 829 with lysine.
Molecular consequence: missense variant.
Genome position (GRCh38, 1-based): chrX:47,186,119, G>A. VCF-style: chrX-47186119-G-A. GRCh37 (hg19) VCF-style: chrX-47045518-G-A.
Other names: c.2485G>A (NM_005676.4); c.2254G>A, p.Glu752Lys (NM_001204466.2); c.2482G>A, p.Glu828Lys (NM_001204467.2); c.2680G>A, p.Glu894Lys (NM_001204468.2); c.2251G>A, p.Glu751Lys (NM_152856.3); short protein forms E828K, E829K, E751K, E894K, E752K.
Identifiers: ClinVar variation 2874471 (VCV002874471.4), dbSNP rs2147223252, ClinGen allele CA412809117.

ClinVar aggregate classification (germline): Uncertain significance. Review status: criteria provided, multiple submitters, no conflicts (2 of 4 stars). 2 submissions from 2 submitters: Uncertain significance (2). Last evaluated 2025-01-26.

Conditions:
Inborn genetic diseases. Identifiers: MedGen C0950123, MeSH D030342.

Allele frequency attached by ClinVar (database versions not stated): gnomAD exomes below 0.00001.
gnomAD v4.1: 3 of 1,212,467 alleles (0.00025%); highest among the groups gnomAD compares: Non-Finnish European, 0.00033%; no homozygotes.

Submissions (2):

Ambry Genetics
Classification: Uncertain significance for Inborn genetic diseases. Last evaluated: 2025-01-26. Review status: criteria provided, single submitter. Criteria: Ambry Variant Classification Scheme 2023. Collection method: clinical testing. Allele origin: germline.

Labcorp Genetics (formerly Invitae), Labcorp
Classification: Uncertain significance. Last evaluated: 2023-03-09. Review status: criteria provided, single submitter. Criteria: Invitae Variant Classification Sherloc (09022015). Collection method: clinical testing. Allele origin: germline.
Comment: This sequence change replaces glutamic acid, which is acidic and polar, with lysine, which is basic and polar, at codon 829 of the RBM10 protein (p.Glu829Lys). This variant is not present in population databases (gnomAD no frequency). This variant has not been reported in the literature in individuals affected with RBM10-related conditions. Advanced modeling of protein sequence and biophysical properties (such as structural, functional, and spatial information, amino acid conservation, physicochemical variation, residue mobility, and thermodynamic stability) performed at Invitae indicates that this missense variant is not expected to disrupt RBM10 protein function. In summary, the available evidence is currently insufficient to determine the role of this variant in disease. Therefore, it has been classified as a Variant of Uncertain Significance.